The following is an entry in ClinVar:

ClinVar aggregate classification (germline): Likely benign. Review status: criteria provided, multiple submitters, no conflicts (2 of 4 stars). 3 submissions from 3 submitters: Likely benign (3). Last evaluated 2023-10-27.

Conditions:
Aortic aneurysm, familial thoracic 4 (AAT4). Also called: AORTIC ANEURYSM/AORTIC DISSECTION AND PATENT DUCTUS ARTERIOSUS. Identifiers: MedGen C1851504, MONDO:0007568, OMIM 132900.
Familial thoracic aortic aneurysm and aortic dissection (TAAD). Also called: Thoracic aortic aneurysms and dissections. Identifiers: Orphanet 91387, MedGen C4707243, MONDO:0019625.

Allele frequency attached by ClinVar (database versions not stated): gnomAD exomes below 0.00001.
gnomAD v4.1: 9 of 1,614,164 alleles (0.00056%); highest among the groups gnomAD compares: Non-Finnish European, 0.00034%; no homozygotes.

Submissions (3):

All of Us Research Program, National Institutes of Health
Classification: Likely benign for Familial thoracic aortic aneurysm and aortic dissection. Last evaluated: 2023-10-27. Review status: criteria provided, single submitter. Criteria: ACMG Guidelines, 2015. Collection method: clinical testing. Allele origin: germline. Inheritance: Autosomal dominant inheritance. Observed: 1 variant allele, 1 heterozygote.
Comment: This study involves interpretation of variants in research participants for the purpose of population health screening. Participant phenotype was not available at the time of variant classification. Additional details can be found in publication PMID: 35346344, PMCID: PMC8962531

Labcorp Genetics (formerly Invitae), Labcorp
Classification: Likely benign for Aortic aneurysm, familial thoracic 4. Last evaluated: 2023-02-14. Review status: criteria provided, single submitter. Criteria: Invitae Variant Classification Sherloc (09022015). Collection method: clinical testing. Allele origin: germline.

Color Diagnostics, LLC DBA Color Health
Classification: Likely benign for Familial thoracic aortic aneurysm and aortic dissection. Last evaluated: 2019-08-11. Review status: criteria provided, single submitter. Criteria: ACMG Guidelines, 2015. Collection method: clinical testing. Allele origin: germline.

NM_002474.3(MYH11):c.3507-8C>T

Gene: MYH11 (myosin heavy chain 11; minus strand). Cytogenetic location: 16p13.11.
Variant type: single nucleotide variant.
Coding change: c.3507-8C>T on transcript NM_002474.3 (MANE Select); 8 bases into the intron before coding-DNA position 3507, C replaced by T.
Molecular consequence: intron variant.
Genome position (GRCh38, 1-based): chr16:15,732,716, G>A on the plus strand (C>T on the coding strand, the complement: MYH11 is on the minus strand). VCF-style: chr16-15732716-G-A. GRCh37 (hg19) VCF-style: chr16-15826573-G-A.
Other names: c.3507-8C>T (NM_022844.3); c.3528-8C>T (NM_001040114.2, NM_001040113.2).
Identifiers: ClinVar variation 924038 (VCV000924038.7), dbSNP rs2041004644, ClinGen allele CA493771699.